The following is an entry in ClinVar:

ClinVar aggregate classification (germline): Uncertain significance (1 of 4 stars; one submission).

Conditions:
Inborn genetic diseases. Identifiers: MedGen C0950123, MeSH D030342.

gnomAD v4.1: 10 of 1,613,656 alleles (0.00062%); highest among the groups gnomAD compares: East Asian, 0.02%; no homozygotes.

Submission:

Ambry Genetics
Classification: Uncertain significance for Inborn genetic diseases. Last evaluated: 2024-12-08. Review status: criteria provided, single submitter. Criteria: Ambry Variant Classification Scheme 2023. Collection method: clinical testing. Allele origin: germline.
Comment: The p.I1541V variant (also known as c.4621A>G), located in coding exon 1 of the SAMD9 gene, results from an A to G substitution at nucleotide position 4621. The isoleucine at codon 1541 is replaced by valine, an amino acid with highly similar properties. This amino acid position is conserved. In addition, this alteration is predicted to be tolerated by in silico analysis. Based on the available evidence, the clinical significance of this variant remains unclear.

NM_017654.4(SAMD9):c.4621A>G (p.Ile1541Val)

Gene: SAMD9 (sterile alpha motif domain containing 9; minus strand). Cytogenetic location: 7q21.2.
Variant type: single nucleotide variant.
Coding change: c.4621A>G on transcript NM_017654.4 (MANE Select); coding-DNA position 4621, A replaced by G.
Protein change: p.Ile1541Val; replaces isoleucine 1541 with valine.
Molecular consequence: missense variant.
Genome position (GRCh38, 1-based): chr7:93,101,477, T>C on the plus strand (A>G on the coding strand, the complement: SAMD9 is on the minus strand). VCF-style: chr7-93101477-T-C. GRCh37 (hg19) VCF-style: chr7-92730790-T-C.
Other names: c.4621A>G, p.Ile1541Val (NM_001193307.2); short protein forms I1541V.
Identifiers: ClinVar variation 3437105 (VCV003437105.1).